The following is an entry in ClinVar:

ClinVar aggregate classification (germline): Conflicting classifications of pathogenicity. Review status: criteria provided, conflicting classifications (1 of 4 stars). 4 submissions from 4 submitters: Uncertain significance (2); Likely benign (2). Last evaluated 2025-01-31.

Conditions:
Hypertrophic cardiomyopathy. Also called: HYPERTROPHIC MYOCARDIOPATHY. Identifiers: Orphanet 217569, MedGen C0007194, MeSH D002312, MONDO:0005045, HP:0001639.
Cardiovascular phenotype. Identifiers: MedGen CN230736.
Cardiomyopathy (CMYO). Also called: Cardiomyopathies. Identifiers: Orphanet 167848, MedGen C0878544, MONDO:0004994, HP:0001638. Inheritance: Various modes of inheritance.

Allele frequency attached by ClinVar (database versions not stated): TOPMed below 0.00001; gnomAD exomes 0.00002.
gnomAD v4.1: 24 of 1,614,156 alleles (0.0015%); highest among the groups gnomAD compares: Non-Finnish European, 0.0019%; no homozygotes.

Submissions (4):

Ambry Genetics
Classification: Uncertain significance for Cardiovascular phenotype. Last evaluated: 2025-01-31. Review status: criteria provided, single submitter. Criteria: Ambry Variant Classification Scheme 2023. Collection method: clinical testing. Allele origin: germline.
Comment: The c.3100-3C>T intronic variant results from a C to T substitution 3 nucleotides upstream from coding exon 23 in the MYH7 gene. This nucleotide position is highly conserved in available vertebrate species. In silico splice site analysis predicts that this alteration will not have any significant effect on splicing. Based on the available evidence, the clinical significance of this variant remains unclear.

Labcorp Genetics (formerly Invitae), Labcorp
Classification: Uncertain significance for Hypertrophic cardiomyopathy. Last evaluated: 2024-03-16. Review status: criteria provided, single submitter. Criteria: Invitae Variant Classification Sherloc (09022015). Collection method: clinical testing. Allele origin: germline.
Comment: This sequence change falls in intron 24 of the MYH7 gene. It does not directly change the encoded amino acid sequence of the MYH7 protein. It affects a nucleotide within the consensus splice site. This variant is not present in population databases (gnomAD no frequency). This variant has not been reported in the literature in individuals affected with MYH7-related conditions. ClinVar contains an entry for this variant (Variation ID: 1171871). Variants that disrupt the consensus splice site are a relatively common cause of aberrant splicing (PMID: 17576681, 9536098). Algorithms developed to predict the effect of sequence changes on RNA splicing suggest that this variant is not likely to affect RNA splicing. In summary, the available evidence is currently insufficient to determine the role of this variant in disease. Therefore, it has been classified as a Variant of Uncertain Significance.

All of Us Research Program, National Institutes of Health
Classification: Likely benign for Cardiomyopathy. Last evaluated: 2023-03-09. Review status: criteria provided, single submitter. Criteria: ACMG Guidelines, 2015. Collection method: clinical testing. Allele origin: germline. Inheritance: Autosomal dominant inheritance. Observed: 1 variant allele, 1 heterozygote.
Comment: This study involves interpretation of variants in research participants for the purpose of population health screening. Participant phenotype was not available at the time of variant classification. Additional details can be found in publication PMID: 35346344, PMCID: PMC8962531

Color Diagnostics, LLC DBA Color Health
Classification: Likely benign for Cardiomyopathy. Last evaluated: 2021-02-01. Review status: criteria provided, single submitter. Criteria: ACMG Guidelines, 2015. Collection method: clinical testing. Allele origin: germline.

Literature cited by the submitters: PubMed 17576681 (cited by Labcorp Genetics (formerly Invitae), Labcorp); PubMed 9536098 (cited by Labcorp Genetics (formerly Invitae), Labcorp).

NM_000257.4(MYH7):c.3100-3C>T

Gene: MYH7 (myosin heavy chain 7; minus strand). Cytogenetic location: 14q11.2.
Variant type: single nucleotide variant.
Coding change: c.3100-3C>T on transcript NM_000257.4 (MANE Select); 3 bases into the intron before coding-DNA position 3100, C replaced by T.
Molecular consequence: intron variant.
Genome position (GRCh38, 1-based): chr14:23,422,328, G>A on the plus strand (C>T on the coding strand, the complement: MYH7 is on the minus strand). VCF-style: chr14-23422328-G-A. GRCh37 (hg19) VCF-style: chr14-23891537-G-A.
Identifiers: ClinVar variation 1171871 (VCV001171871.7), dbSNP rs111761637, ClinGen allele CA2123451037.